The following is an entry in ClinVar:

NM_000254.3(MTR):c.2474-18T>A

Gene: MTR (5-methyltetrahydrofolate-homocysteine methyltransferase; plus strand). Cytogenetic location: 1q43.
Variant type: single nucleotide variant.
Coding change: c.2474-18T>A on transcript NM_000254.3 (MANE Select); 18 bases into the intron before coding-DNA position 2474, T replaced by A.
Molecular consequence: intron variant.
Genome position (GRCh38, 1-based): chr1:236,874,708, T>A. VCF-style: chr1-236874708-T-A. GRCh37 (hg19) VCF-style: chr1-237038008-T-A.
Other names: p.?; c.2321-18T>A (NM_001291939.1); c.1253-18T>A (NM_001291940.2).
Identifiers: ClinVar variation 378884 (VCV000378884.15), dbSNP rs10925256, ClinGen allele CA1474419.
Genomic context (GRCh38, chr1:236,874,708, plus strand): 5'-ATCTTCATCCTTTTCCTTTTTCTTTCATCTTCCTCACTGTCCTTTTTGTCCTTTTTTTTT[T>A]AAAAAAAAAAAAAATAGATATAATTGGCCTGTCAGGACTCATCACTCCTTCCCTGGATGA-3'

ClinVar aggregate classification (germline): Benign. Review status: criteria provided, multiple submitters, no conflicts (2 of 4 stars). 7 submissions from 7 submitters: Benign (5). 2 of the submissions do not count toward it. Last evaluated 2026-02-04.

Conditions:
Methylcobalamin deficiency type cblG (HMAG). Also called: HOMOCYSTINURIA-MEGALOBLASTIC ANEMIA, cblG TYPE; Functional methionine synthase deficiency type cblG; HOMOCYSTINURIA-MEGALOBLASTIC ANEMIA DUE TO DEFECT IN COBALAMIN METABOLISM, cblG COMPLEMENTATION TYPE; HOMOCYSTINURIA-MEGALOBLASTIC ANEMIA, cblG COMPLEMENTATION TYPE. Identifiers: Orphanet 2170, Orphanet 622, MedGen C1855128, MONDO:0009609, OMIM 250940.

Allele frequency attached by ClinVar (database versions not stated): ESP Exome Variant Server 0.00070; gnomAD exomes 0.42308.

Submissions (21):

Labcorp Genetics (formerly Invitae), Labcorp
Classification: Benign for Methylcobalamin deficiency type cblG. Last evaluated: 2026-02-04. Review status: criteria provided, single submitter. Criteria: Invitae Variant Classification Sherloc (09022015). Collection method: clinical testing. Allele origin: germline.

Blueprint Genetics
Classification: Benign. Last evaluated: 2024-11-26. Review status: criteria provided, single submitter. Criteria: ACMG Guidelines, 2015. Collection method: clinical testing. Allele origin: germline.

Mayo Clinic Laboratories, Mayo Clinic
Classification: Benign. Last evaluated: 2022-03-03. Review status: criteria provided, single submitter. Criteria: ACMG Guidelines, 2015. Collection method: clinical testing. Allele origin: germline. Observed: 64 variant alleles.

GeneDx
Classification: Benign. Last evaluated: 2016-02-17. Review status: criteria provided, single submitter. Criteria: GeneDx Variant Classification (06012015). Collection method: clinical testing. Allele origin: germline. Affected: yes.
Comment: This variant is considered likely benign or benign based on one or more of the following criteria: it is a conservative change, it occurs at a poorly conserved position in the protein, it is predicted to be benign by multiple in silico algorithms, and/or has population frequency not consistent with disease.

Breakthrough Genomics
Classification: Benign. Review status: criteria provided, single submitter. Criteria: ACMG Guidelines, 2015. Collection method: not provided. Allele origin: germline. Inheritance: Autosomal recessive inheritance. Affected: yes.

Clinical Genetics, Academic Medical Center
Classification: Benign. Review status: no assertion criteria provided. Collection method: clinical testing. Allele origin: germline. Affected: yes. Study: VKGL Data-share Consensus. Not counted in ClinVar's aggregate classification.

Dr. Peter K. Rogan Lab, Western University
No classification provided (evidence only). Condition: Thymoma. Review status: no classification provided. Collection method: in vitro. Allele origin: not applicable. Functional consequence: retained intron. Not counted in ClinVar's aggregate classification.

Dr. Peter K. Rogan Lab, Western University
No classification provided (evidence only). Condition: Thymoma. Review status: no classification provided. Collection method: in vitro. Allele origin: not applicable. Functional consequence: retained intron. Not counted in ClinVar's aggregate classification.

Dr. Peter K. Rogan Lab, Western University
No classification provided (evidence only). Condition: Uveal melanoma. Review status: no classification provided. Collection method: in vitro. Allele origin: not applicable. Functional consequence: retained intron. Not counted in ClinVar's aggregate classification.

Dr. Peter K. Rogan Lab, Western University
No classification provided (evidence only). Condition: Nonpapillary renal cell carcinoma. Review status: no classification provided. Collection method: in vitro. Allele origin: not applicable. Functional consequence: retained intron. Not counted in ClinVar's aggregate classification.

Dr. Peter K. Rogan Lab, Western University
No classification provided (evidence only). Condition: Familial pancreatic carcinoma. Review status: no classification provided. Collection method: in vitro. Allele origin: not applicable. Functional consequence: retained intron. Not counted in ClinVar's aggregate classification.

Dr. Peter K. Rogan Lab, Western University
No classification provided (evidence only). Condition: Familial cancer of breast. Review status: no classification provided. Collection method: in vitro. Allele origin: not applicable. Functional consequence: retained intron. Not counted in ClinVar's aggregate classification.

Dr. Peter K. Rogan Lab, Western University
No classification provided (evidence only). Condition: Familial cancer of breast. Review status: no classification provided. Collection method: in vitro. Allele origin: not applicable. Functional consequence: retained intron. Not counted in ClinVar's aggregate classification.

Dr. Peter K. Rogan Lab, Western University
No classification provided (evidence only). Condition: Familial cancer of breast. Review status: no classification provided. Collection method: in vitro. Allele origin: not applicable. Functional consequence: retained intron. Not counted in ClinVar's aggregate classification.

Dr. Peter K. Rogan Lab, Western University
No classification provided (evidence only). Condition: Familial cancer of breast. Review status: no classification provided. Collection method: in vitro. Allele origin: not applicable. Functional consequence: retained intron. Not counted in ClinVar's aggregate classification.

Dr. Peter K. Rogan Lab, Western University
No classification provided (evidence only). Condition: Acute myeloid leukemia. Review status: no classification provided. Collection method: in vitro. Allele origin: not applicable. Functional consequence: retained intron. Not counted in ClinVar's aggregate classification.

Dr. Peter K. Rogan Lab, Western University
No classification provided (evidence only). Condition: Acute myeloid leukemia. Review status: no classification provided. Collection method: in vitro. Allele origin: not applicable. Functional consequence: retained intron. Not counted in ClinVar's aggregate classification.

Dr. Peter K. Rogan Lab, Western University
No classification provided (evidence only). Condition: Acute myeloid leukemia. Review status: no classification provided. Collection method: in vitro. Allele origin: not applicable. Functional consequence: skipped exon, retained intron. Not counted in ClinVar's aggregate classification.

Dr. Peter K. Rogan Lab, Western University
No classification provided (evidence only). Condition: Acute myeloid leukemia. Review status: no classification provided. Collection method: in vitro. Allele origin: not applicable. Functional consequence: retained intron. Not counted in ClinVar's aggregate classification.

Dr. Peter K. Rogan Lab, Western University
No classification provided (evidence only). Condition: Acute myeloid leukemia. Review status: no classification provided. Collection method: in vitro. Allele origin: not applicable. Functional consequence: retained intron. Not counted in ClinVar's aggregate classification.

Genome Diagnostics Laboratory, University Medical Center Utrecht
Classification: Benign. Review status: no assertion criteria provided. Collection method: clinical testing. Allele origin: germline. Affected: yes. Study: VKGL Data-share Consensus. Not counted in ClinVar's aggregate classification.